The following is an entry in ClinVar:

NM_000059.4(BRCA2):c.237_238insG (p.Ile80fs)

Gene: BRCA2 (BRCA2 DNA repair associated; plus strand). Cytogenetic location: 13q13.1.
Variant type: Insertion.
Coding change: c.237_238insG on transcript NM_000059.4 (MANE Select); coding-DNA positions 237 to 238, G inserted.
Protein change: p.Ile80fs; shifts the reading frame from isoleucine 80.
Molecular consequence: frameshift variant.
Genome position: GRCh38 VCF-style: chr13-32319246-A-AG. GRCh37 (hg19) VCF-style: chr13-32893383-A-AG.
Other names: short protein forms I80fs.
Identifiers: ClinVar variation 1406725 (VCV001406725.6), dbSNP rs2138705140, ClinGen allele CA2573149299.

ClinVar aggregate classification (germline): Pathogenic (1 of 4 stars; one submission).

Conditions:
Hereditary breast ovarian cancer syndrome. Also called: Hereditary breast and ovarian cancer syndrome; BRCA1- and BRCA2-Associated Hereditary Breast and Ovarian Cancer; Breast and ovarian cancer; Hereditary breast and/or ovarian cancer syndrome; Hereditary breast and ovarian cancer syndrome (HBOC); Hereditary breast and ovarian cancer. Identifiers: Orphanet 145, MedGen C0677776, MeSH D061325, MONDO:0003582. Disease mechanism: loss of function.

Submission:

Labcorp Genetics (formerly Invitae), Labcorp
Classification: Pathogenic for Hereditary breast ovarian cancer syndrome. Last evaluated: 2021-03-10. Review status: criteria provided, single submitter. Criteria: Invitae Variant Classification Sherloc (09022015). Collection method: clinical testing. Allele origin: germline.
Comment: For these reasons, this variant has been classified as Pathogenic. Algorithms developed to predict the effect of sequence changes on RNA splicing suggest that this variant may create or strengthen a splice site, but this prediction has not been confirmed by published transcriptional studies. This variant has not been reported in the literature in individuals with BRCA2-related conditions. This variant is not present in population databases (ExAC no frequency). This sequence change creates a premature translational stop signal (p.Ile80Aspfs*21) in the BRCA2 gene. It is expected to result in an absent or disrupted protein product. Loss-of-function variants in BRCA2 are known to be pathogenic (PMID: 20104584).

Literature cited by the submitters: PubMed 20104584.